The following is an entry in ClinVar:

NM_001348716.2(KDM6B):c.2109C>T (p.Asp703=)

Gene: KDM6B (lysine demethylase 6B; plus strand). Cytogenetic location: 17p13.1.
Variant type: single nucleotide variant.
Coding change: c.2109C>T on transcript NM_001348716.2 (MANE Select); coding-DNA position 2109, C replaced by T.
Protein change: p.Asp703=; no amino-acid change (aspartic acid 703 retained).
Molecular consequence: synonymous variant.
Genome position (GRCh38, 1-based): chr17:7,848,397, C>T. VCF-style: chr17-7848397-C-T. GRCh37 (hg19) VCF-style: chr17-7751715-C-T.
Other names: c.2109C>T, p.Asp703= (NM_001080424.2).
Identifiers: ClinVar variation 2647404 (VCV002647404.24), dbSNP rs150025430, ClinGen allele CA8360807.

ClinVar aggregate classification (germline): Likely benign (1 of 4 stars; one submission).

Allele frequency attached by ClinVar (database versions not stated): ExAC 0.00021; gnomAD 0.00048; 1000 Genomes Project 0.00060; TOPMed 0.00068; ESP Exome Variant Server 0.00077; 1000 Genomes Project 30x 0.00078.
gnomAD v4.1: 163 of 1,613,030 alleles (0.01%); highest among the groups gnomAD compares: African/African-American, 0.15%; 2 homozygotes.

Submission:

CeGaT Center for Human Genetics Tuebingen
Classification: Likely benign. Last evaluated: 2022-11-01. Review status: criteria provided, single submitter. Criteria: CeGaT Center For Human Genetics Tuebingen Variant Classification Criteria Version 2. Collection method: clinical testing. Allele origin: germline. Affected: yes. Observed: 1 variant allele.
Comment: KDM6B: BP4, BP7, BS1